The following is an entry in ClinVar:

ClinVar aggregate classification (germline): Uncertain significance. Review status: criteria provided, multiple submitters, no conflicts (2 of 4 stars). 2 submissions from 2 submitters: Uncertain significance (2). Last evaluated 2025-10-07.

Allele frequency attached by ClinVar (database versions not stated): ExAC 0.00001; gnomAD 0.00001; TOPMed 0.00002.
gnomAD v4.1: 8 of 1,613,860 alleles (0.0005%); highest among the groups gnomAD compares: Admixed American, 0.01%; no homozygotes.

Submissions (2):

Ambry Genetics
Classification: Uncertain significance. Last evaluated: 2025-10-07. Review status: criteria provided, single submitter. Criteria: Ambry Variant Classification Scheme 2023. Collection method: clinical testing. Allele origin: germline.

Labcorp Genetics (formerly Invitae), Labcorp
Classification: Uncertain significance. Last evaluated: 2022-07-30. Review status: criteria provided, single submitter. Criteria: Invitae Variant Classification Sherloc (09022015). Collection method: clinical testing. Allele origin: germline.
Comment: This sequence change replaces tyrosine, which is neutral and polar, with cysteine, which is neutral and slightly polar, at codon 206 of the POLG2 protein (p.Tyr206Cys). This variant is present in population databases (rs781961764, gnomAD 0.01%). This variant has not been reported in the literature in individuals affected with POLG2-related conditions. Algorithms developed to predict the effect of missense changes on protein structure and function (SIFT, PolyPhen-2, Align-GVGD) all suggest that this variant is likely to be tolerated. In summary, the available evidence is currently insufficient to determine the role of this variant in disease. Therefore, it has been classified as a Variant of Uncertain Significance.

NM_007215.4(POLG2):c.617A>G (p.Tyr206Cys)

Genes: MILR1 (mast cell immunoglobulin like receptor 1; plus strand), POLG2 (DNA polymerase gamma 2, accessory subunit; minus strand). Cytogenetic location: 17q23.3.
Variant type: single nucleotide variant.
Coding change: c.617A>G on transcript NM_007215.4 (MANE Select); coding-DNA position 617, A replaced by G.
Protein change: p.Tyr206Cys; replaces tyrosine 206 with cysteine.
Molecular consequence: missense variant.
Genome position (GRCh38, 1-based): chr17:64,492,967, T>C on the plus strand (A>G on the coding strand, the complement: POLG2 is on the minus strand). VCF-style: chr17-64492967-T-C. GRCh37 (hg19) VCF-style: chr17-62489084-T-C.
Other names: c.617A>G (NM_007215.3); short protein forms Y206C.
Identifiers: ClinVar variation 1938748 (VCV001938748.6), dbSNP rs781961764, ClinGen allele CA8712969.
Genomic context (GRCh38, chr17:64,492,967, plus strand): 5'-TTTCGTATCTGCTTAGTGTCAAAAACAGGATGAAAACACACTCCAATCTGAGCAAGGCCA[T>C]AAGGTAGCCTCTTGTTTACCAGATCCAGGCAATTAACATAGTGTTCCAAGGCACCTGTCA-3'
Protein context (NP_009146.2, residues 196-216): CLDLVNKRLP[Tyr206Cys]GLAQIGVCFH